The following is an entry in ClinVar:

NM_003579.4(RAD54L):c.871G>T (p.Gly291Cys)

Gene: RAD54L (RAD54 like; plus strand). Cytogenetic location: 1p34.1.
Variant type: single nucleotide variant.
Coding change: c.871G>T on transcript NM_003579.4 (MANE Select); coding-DNA position 871, G replaced by T.
Protein change: p.Gly291Cys; replaces glycine 291 with cysteine.
Molecular consequence: missense variant.
Genome position (GRCh38, 1-based): chr1:46,261,365, G>T. VCF-style: chr1-46261365-G-T. GRCh37 (hg19) VCF-style: chr1-46727037-G-T.
Other names: c.871G>T, p.Gly291Cys (NM_001142548.2); c.331G>T, p.Gly111Cys (NM_001370766.1); short protein forms G111C, G291C.
Identifiers: ClinVar variation 3223466 (VCV003223466.1), dbSNP rs1660119338, ClinGen allele CA340189421.

ClinVar aggregate classification (germline): Uncertain significance (1 of 4 stars; one submission).

Allele frequency attached by ClinVar (database versions not stated): gnomAD exomes below 0.00001; TOPMed below 0.00001.
gnomAD v4.1: 2 of 1,613,960 alleles (0.00012%); highest among the groups gnomAD compares: East Asian, 0.0045%; no homozygotes.

Submission:

Ambry Genetics
Classification: Uncertain significance. Last evaluated: 2023-10-19. Review status: criteria provided, single submitter. Criteria: Ambry Variant Classification Scheme 2023. Collection method: clinical testing. Allele origin: germline.
Comment: The p.G291C variant (also known as c.871G>T), located in coding exon 8 of the RAD54L gene, results from a G to T substitution at nucleotide position 871. The glycine at codon 291 is replaced by cysteine, an amino acid with highly dissimilar properties. This amino acid position is conserved. In addition, this alteration is predicted to be deleterious by in silico analysis. Since supporting evidence is limited at this time, the clinical significance of this alteration remains unclear.